The following is an entry in ClinVar:

NM_194323.3(OTOF):c.3624del (p.Leu1209fs)

Gene: OTOF (otoferlin; minus strand). Cytogenetic location: 2p23.3.
Variant type: Deletion.
Coding change: c.3624del on transcript NM_194323.3 (MANE Plus Clinical); coding-DNA position 3624, one base deleted (G; older notation c.3624delG).
Protein change: p.Leu1209fs; shifts the reading frame from leucine 1209.
Molecular consequence: frameshift variant. On other transcripts: 3 prime UTR variant (3).
Genome position (GRCh38, 1-based): chr2:26,458,109, C deleted on the plus strand (G on the coding strand, the reverse complement: OTOF is on the minus strand); the first of 4 consecutive C bases (chr2:26,458,109-26,458,112); deleting any one gives the same sequence. VCF-style (leftmost placement, unchanged base first): chr2-26458108-GC-G. GRCh37 (hg19) VCF-style: chr2-26680976-GC-G.
Other names: c.5925del, p.Leu1976fs (NM_001287489.2); c.*129del (NM_004802.4, NM_194248.3, NM_194322.3); short protein forms L1976fs, L1209fs.
Identifiers: ClinVar variation 180120 (VCV000180120.12), dbSNP rs727505359, ClinGen allele CA273682.
Genomic context (GRCh38, chr2:26,458,108, plus strand): 5'-CAAGGAGCTTTTTGACCATGTAGCCAGGGAGGCTGTAGAGGAAGAGCCCCAACATGAGCA[GC>G]CCCAACAGCGCCAGCACGATCTTGATGATGAGCCACTTGTACCGGGTGCAGATGAGGTAC-3'

ClinVar aggregate classification (germline): Pathogenic/Likely pathogenic. Review status: criteria provided, multiple submitters, no conflicts (2 of 4 stars). 4 submissions from 4 submitters: Pathogenic (1); Likely pathogenic (3). Last evaluated 2023-09-21.

Conditions:
Rare genetic deafness. Identifiers: Orphanet 96210, MedGen C5680250.
Nonsyndromic genetic hearing loss. Also called: Non-syndromic genetic deafness; Nonsyndromic hearing loss and deafness; Nonsyndromic genetic deafness. Identifiers: Orphanet 87884, MedGen C5680182, MONDO:0019497.

Submissions (4):

Labcorp Genetics (formerly Invitae), Labcorp
Classification: Pathogenic. Last evaluated: 2023-09-21. Review status: criteria provided, single submitter. Criteria: Invitae Variant Classification Sherloc (09022015). Collection method: clinical testing. Allele origin: germline.
Comment: For these reasons, this variant has been classified as Pathogenic. Experimental studies and prediction algorithms are not available or were not evaluated, and the functional significance of this variant is currently unknown. ClinVar contains an entry for this variant (Variation ID: 180120). This frameshift has been observed in individual(s) with autosomal recessive deafness (PMID: 26969326; Invitae). In at least one individual the data is consistent with being in trans (on the opposite chromosome) from a pathogenic variant. This variant is present in population databases (rs727505359, gnomAD 0.002%). This sequence change results in a frameshift in the OTOF gene (p.Leu1209Cysfs*89). While this is not anticipated to result in nonsense mediated decay, it is expected to disrupt the last 22 amino acid(s) of the OTOF protein and extend the protein by 66 additional amino acid residues. The OTOF gene has multiple clinically relevant transcripts. This variant occurs in alternate transcript NM_194323.2, and corresponds to NM_194248.2:c.*129del in the primary transcript.

GeneDx
Classification: Likely pathogenic. Last evaluated: 2023-01-05. Review status: criteria provided, single submitter. Criteria: GeneDx Variant Classification Process June 2021. Collection method: clinical testing. Allele origin: germline. Affected: yes.
Comment: Frameshift variant predicted to result in protein truncation as the last 22 amino acids are replaced with 88 different amino acids, although loss-of-function variants have not been reported downstream of this position in the protein; Not observed at significant frequency in large population cohorts (gnomAD); This variant is associated with the following publications: (PMID: 19250381, 12525542, 16371502, 14635104, 10903124, 26969326)

Women's Health and Genetics/Laboratory Corporation of America, LabCorp
Classification: Likely pathogenic for Nonsyndromic genetic hearing loss. Last evaluated: 2021-09-28. Review status: criteria provided, single submitter. Criteria: LabCorp Variant Classification Summary - May 2015. Collection method: clinical testing. Allele origin: germline.
Comment: Variant summary: OTOF c.*129delG (NM_194248.2) is located in the untranslated mRNA region downstream of the termination codon. However, this variant may result in a frameshift in an alternative transcript (c.3624delG/p.Leu1209CysfsX89 in NM_194323). This transcript is cited as clinically relevant (Ensembl database). The variant allele was found at a frequency of 8e-06 in 251290 control chromosomes. The available data on variant occurrences in the general population are insufficient to allow any conclusion about variant significance. c.*129delG has been reported in the literature in at least one individual affected with Nonsyndromic Hearing Loss And Deafness, Type 9 (Sloan-Heggen_2016). To our knowledge, no experimental evidence demonstrating an impact on protein function has been reported. No clinical diagnostic laboratories have submitted clinical-significance assessments for this variant to ClinVar after 2014. Based on the evidence outlined above, the variant was classified as likely pathogenic.

Laboratory for Molecular Medicine, Mass General Brigham Personalized Medicine
Classification: Likely pathogenic for Rare genetic deafness. Last evaluated: 2014-12-01. Review status: criteria provided, single submitter. Criteria: LMM Criteria. Collection method: clinical testing. Allele origin: germline. Inheritance: Autosomal recessive inheritance. Observed: 1 variant allele.
Comment: The variant was absent in large population studies. This f rameshift variant is located in exon 47A (also referred to as exon 47 or exon 48 in the literature), which is present in alternate splice isoforms of the OTOF g ene, one of which is specific to the inner ear. The variant is predicted to alte r the protein?s amino acid sequence beginning at position 1209, disrupt the term ination signal, and result in the addition of 67 amino acids to the end of the p rotein. This alteration occurs within the last exon and is more likely to escape nonsense mediated decay (NMD) and result in an elongated protein. In summary, a lthough additional studies are required to fully establish its clinical signific ance, this variant is likely pathogenic.

Literature cited by the submitters: PubMed 26969326 (cited by Labcorp Genetics (formerly Invitae), Labcorp and Women's Health and Genetics/Laboratory Corporation of America, LabCorp); PubMed 14635104 (cited by Laboratory for Molecular Medicine, Mass General Brigham Personalized Medicine); PubMed 16371502 (cited by Laboratory for Molecular Medicine, Mass General Brigham Personalized Medicine); PubMed 12525542 (cited by Laboratory for Molecular Medicine, Mass General Brigham Personalized Medicine); PubMed 10903124 (cited by Laboratory for Molecular Medicine, Mass General Brigham Personalized Medicine); PubMed 19250381 (cited by Laboratory for Molecular Medicine, Mass General Brigham Personalized Medicine).